The following is an entry in ClinVar:

NM_000161.3(GCH1):c.610G>A (p.Val204Ile)

Gene: GCH1 (GTP cyclohydrolase 1; minus strand). Cytogenetic location: 14q22.2.
Variant type: single nucleotide variant.
Coding change: c.610G>A on transcript NM_000161.3 (MANE Select); coding-DNA position 610, G replaced by A.
Protein change: p.Val204Ile; replaces valine 204 with isoleucine.
Molecular consequence: missense variant.
Genome position (GRCh38, 1-based): chr14:54,845,784, C>T on the plus strand (G>A on the coding strand, the complement: GCH1 is on the minus strand). VCF-style: chr14-54845784-C-T. GRCh37 (hg19) VCF-style: chr14-55312502-C-T.
Other names: p.Val204Ile; c.610G>A, p.Val204Ile (NM_001024024.2, NM_001024070.2, NM_001024071.2); short protein forms V204I.
Identifiers: ClinVar variation 161248 (VCV000161248.70), dbSNP rs200891969, ClinGen allele CA211435.

ClinVar aggregate classification (germline): Conflicting classifications of pathogenicity. Review status: criteria provided, conflicting classifications (1 of 4 stars). 13 submissions from 13 submitters: Likely pathogenic (5); Uncertain significance (7). 1 of the submissions does not count toward it. Last evaluated 2026-08-13.

Conditions:
GTP cyclohydrolase I deficiency with hyperphenylalaninemia (HPABH4B). Also called: Hyperphenylalaninemia, tetrahydrobiopterin-deficient, due to GTP cyclohydrolase 1 deficiency; HYPERPHENYLALANINEMIA, BH4-DEFICIENT, B; HYPERPHENYLALANINEMIA, TETRAHYDROBIOPTERIN-DEFICIENT, DUE TO GTP CYCLOHYDROLASE I DEFICIENCY. Identifiers: Orphanet 2102, Orphanet 238583, MedGen CN305333, MONDO:0100186, OMIM 233910.
Dystonia 5 (DRD). Also called: DYSTONIA, PROGRESSIVE, WITH DIURNAL VARIATION; DYSTONIA-PARKINSONISM WITH DIURNAL FLUCTUATION; GTP Cyclohydrolase 1-Deficient Dopa-Responsive Dystonia; Dystonia, DOPA-responsive, with or without hyperphenylalaninemia; DYT-GCH1. Identifiers: Orphanet 98808, MedGen C1851920, MONDO:0007495, OMIM 128230.
GTP cyclohydrolase I deficiency. Identifiers: MedGen C0268467, MONDO:0100184.
Dopa-responsive dystonia. Identifiers: Orphanet 255, MedGen CN221588, MONDO:0016812.
Intellectual disability. Also called: Intellectual functioning disability; intellectual disabilities; Intellectual developmental disorder. Identifiers: MedGen C3714756, MeSH D008607, MONDO:0001071, HP:0001249.

Allele frequency attached by ClinVar (database versions not stated): ESP Exome Variant Server 0.00008; gnomAD 0.00009 and 0.00013; TOPMed 0.00012; 1000 Genomes Project 30x 0.00016; 1000 Genomes Project 0.00020; gnomAD exomes 0.00022; ExAC 0.00026.
gnomAD v4.1: 324 of 1,600,850 alleles (0.02%); highest among the groups gnomAD compares: South Asian, 0.11%; 1 homozygote.

Submissions (13):

GeneDx
Classification: Likely pathogenic. Last evaluated: 2026-08-13. Review status: criteria provided, single submitter. Criteria: GeneDx Variant Classification Process June 2021. Collection method: clinical testing. Allele origin: germline.
Comment: Identified in the heterozygous state in individuals with dopa-responsive dystonia or Parkinson disease in whom no second variant was identified (PMID: 26230973, 27666935, 40672488, 34999542, 42541459) A study of individuals with Parkinson disease found this variant was not enriched in Parkinson disease cases over controls (PMID: 42541459); In silico analysis suggests that this missense variant does not alter protein structure/function; This variant is associated with the following publications: (PMID: 30911941, 25637381, 39378566, 25525159, 20818608, 27666935, 19332422, 12874420, 30314816, 31213404, 24993959, 29484265, 32740907, 31996268, 35287262, 34670123, 34674384, 26230973, 39001623, 40672488, 34999542, 40829774, 42541459, 41074695)

CeGaT Center for Human Genetics Tuebingen
Classification: Likely pathogenic. Last evaluated: 2026-04-01. Review status: criteria provided, single submitter. Criteria: CeGaT Center For Human Genetics Tuebingen Variant Classification Criteria Version 2. Collection method: clinical testing. Allele origin: germline. Affected: yes. Observed: 2 variant alleles.
Comment: GCH1: PM3:Strong, PM1, PM2:Supporting

Labcorp Genetics (formerly Invitae), Labcorp
Classification: Uncertain significance for GTP cyclohydrolase I deficiency; Dystonia 5. Last evaluated: 2026-01-12. Review status: criteria provided, single submitter. Criteria: Invitae Variant Classification Sherloc (09022015). Collection method: clinical testing. Allele origin: germline.
Comment: This sequence change replaces valine, which is neutral and non-polar, with isoleucine, which is neutral and non-polar, at codon 204 of the GCH1 protein (p.Val204Ile). This variant is present in population databases (rs200891969, gnomAD 0.1%). This missense change has been observed in individual(s) with dopa-responsive dystonia, guanine triphosphate cyclohydrolase type I deficiency without hyperphenylalaninemia, and/or Parkinson disease (PMID: 12874420, 19332422, 20818608, 24993959, 27666935, 30911941, 32740907). ClinVar contains an entry for this variant (Variation ID: 161248). Invitae Evidence Modeling of protein sequence and biophysical properties (such as structural, functional, and spatial information, amino acid conservation, physicochemical variation, residue mobility, and thermodynamic stability) indicates that this missense variant is not expected to disrupt GCH1 protein function with a negative predictive value of 80%. In summary, the available evidence is currently insufficient to determine the role of this variant in disease. Therefore, it has been classified as a Variant of Uncertain Significance.

Mayo Clinic Laboratories, Mayo Clinic
Classification: Likely pathogenic. Last evaluated: 2025-06-19. Review status: criteria provided, single submitter. Criteria: ACMG Guidelines, 2015. Collection method: clinical testing. Allele origin: germline. Observed: 1 variant allele.

Blueprint Genetics
Classification: Uncertain significance. Last evaluated: 2024-11-20. Review status: criteria provided, single submitter. Criteria: ACMG Guidelines, 2015. Collection method: clinical testing. Allele origin: germline.

Women's Health and Genetics/Laboratory Corporation of America, LabCorp
Classification: Uncertain significance. Last evaluated: 2024-04-26. Review status: criteria provided, single submitter. Criteria: LabCorp Variant Classification Summary - May 2015. Collection method: clinical testing. Allele origin: germline.
Comment: Variant summary: GCH1 c.610G>A (p.Val204Ile) results in a conservative amino acid change in the encoded protein sequence. Four of five in-silico tools predict a damaging effect of the variant on protein function. The variant allele was found at a frequency of 0.00022 in 251266 control chromosomes, predominantly at a frequency of 0.0011 within the South Asian subpopulation in the gnomAD database. This frequency is not significantly higher than estimated for a pathogenic variant in GCH1 causing GTP Cyclohydrolase I Deficiency (0.00022 vs 0.0011), allowing no conclusion about variant significance. c.610G>A has been reported in the literature as compound heterozygote DOPA naive dystonia with normal serum prolactin levels (example, Furukawa_2003), early infantile onset autosomal recessive GTP Cyclohydrolase I Deficiency without Hyperphenylalaninemia (example, Opaladen_2011), DOPA responsive dystonia in compound heterozygosity where the other variant explained the phenotype and asymptomatic heterozygous family members (example, Menacci_2014, Giri_2019), generalized dystonia non responsive to DOPA (example, Beom Ahn_2019, Zech_2017), and at unknown zygosity with Transposition of the great arterie and Parkinson's disease (Blue_2022, Muldmaa_2021). These report(s) do not provide unequivocal conclusions about association of the variant with GTP Cyclohydrolase I Deficiency. To our knowledge, no experimental evidence demonstrating an impact on protein function has been reported. The following publications have been ascertained in the context of this evaluation (PMID: 31213404, 34670123, 12874420, 30911941, 24993959, 32740907, 20818608, 27666935). ClinVar contains an entry for this variant (Variation ID: 161248). Based on the evidence outlined above, the variant was classified as uncertain significance.

Department of Pathology and Laboratory Medicine, Sinai Health System
Classification: Uncertain significance for Dystonia 5; GTP cyclohydrolase I deficiency with hyperphenylalaninemia. Last evaluated: 2023-02-27. Review status: criteria provided, single submitter. Criteria: ACMG Guidelines, 2015. Collection method: research. Allele origin: germline.

Baylor Genetics
Classification: Uncertain significance for Dystonia 5. Last evaluated: 2022-11-22. Review status: criteria provided, single submitter. Criteria: ACMG Guidelines, 2015. Collection method: clinical testing. Allele origin: unknown.

Institute of Human Genetics, University of Leipzig Medical Center
Classification: Likely pathogenic for Dystonia 5. Last evaluated: 2020-12-18. Review status: criteria provided, single submitter. Criteria: ACMG Guidelines, 2015. Collection method: clinical testing. Allele origin: paternal. Inheritance: Autosomal recessive inheritance. Affected: yes.
Comment: Criteria applied: PM3_STR,PM1,PM2_SUP,PP3

Cambridge Genomics Laboratory, East Genomic Laboratory Hub, NHS Genomic Medicine Service
Classification: Uncertain significance for Intellectual disability. Last evaluated: 2019-10-18. Review status: criteria provided, single submitter. Criteria: ACGS Best Practice Guidelines for Variant Classification in Rare Disease 2020. Collection method: clinical testing. Allele origin: germline. Affected: yes. Observed: 1 variant allele.

Eurofins Ntd Llc (ga)
Classification: Uncertain significance. Last evaluated: 2014-11-11. Review status: criteria provided, single submitter. Criteria: EGL Classification Definitions 2015. Collection method: clinical testing. Allele origin: germline. Observed: 1 variant allele, 1 heterozygote.

Lifecell International Pvt. Ltd
Classification: Likely pathogenic for Dystonia 5. Review status: criteria provided, single submitter. Criteria: ACMG Guidelines, 2015. Collection method: clinical testing. Allele origin: germline. Inheritance: Autosomal dominant inheritance. Affected: yes. Observed: 1 heterozygote.
Comment: A Heterozygous Missense variant c.610G>A in Exon 5 of the GCH1 gene that results in the amino acid substitution p.Val204Ile was identified. The observed variant has a maximum allele frequency of 0.00022/0.00006% in gnomAD exomes and genomes, respectively. The severity of the impact of this variant on the protein is high, based on the effect of the protein and REVEL score . Rare Exome Variant Ensemble Learner (REVEL) is an ensembl method for predicting the pathogenicity of missense variants based on a combination of scores from 13 individual tools: MutPred, FATHMM v2.3, VEST 3.0, PolyPhen-2, SIFT, PROVEAN, MutationAssessor, MutationTaster, LRT, GERP++, SiPhy, phyloP, and phastCons. The REVEL score for an individual missense variant can range from 0 to 1, with higher scores reflecting greater likelihood that the variant is disease-causing. ClinVar has also classified this variant as (Likely Pathogenic/Uncertain Significance) Conflicting Interpretations [Variation ID: 161248]. The observed variation has been previously reported in patients affected with Early-Onset Generalized Dystonia (Zech M, et.al., 2017). For these reasons, this variant has been classified as Likely Pathogenic.

CSER _CC_NCGL, University of Washington
Classification: Uncertain significance for Dystonia, dopa-responsive. Last evaluated: 2014-06-01. Review status: no assertion criteria provided. Collection method: research. Allele origin: germline. Inheritance: Autosomal dominant inheritance. Study: ESP 6500 variant annotation. Not counted in ClinVar's aggregate classification.
Comment: Variants classified for the Actionable exomic incidental findings in 6503 participants: challenges of variant classification manuscript

Literature cited by the submitters: PubMed 12874420 (cited by 4 submitters); PubMed 19332422 (cited by Labcorp Genetics (formerly Invitae), Labcorp and Mayo Clinic Laboratories, Mayo Clinic); PubMed 20818608 (cited by 4 submitters); PubMed 24993959 (cited by 4 submitters); PubMed 27666935 (cited by 4 submitters); PubMed 30911941 (cited by 3 submitters); PubMed 32740907 (cited by 3 submitters); PubMed 26230973 (cited by Mayo Clinic Laboratories, Mayo Clinic); PubMed 30314816 (cited by Mayo Clinic Laboratories, Mayo Clinic); PubMed 31213404 (cited by Mayo Clinic Laboratories, Mayo Clinic and Women's Health and Genetics/Laboratory Corporation of America, LabCorp); PubMed 31996268 (cited by Mayo Clinic Laboratories, Mayo Clinic); PubMed 34674384 (cited by Mayo Clinic Laboratories, Mayo Clinic); PubMed 34999542 (cited by Mayo Clinic Laboratories, Mayo Clinic); PubMed 35287262 (cited by Mayo Clinic Laboratories, Mayo Clinic); PubMed 39001623 (cited by Mayo Clinic Laboratories, Mayo Clinic); PubMed 34670123 (cited by Women's Health and Genetics/Laboratory Corporation of America, LabCorp).